The following is an entry in ClinVar:

NM_138927.4(SON):c.359A>G (p.Lys120Arg)

Gene: SON (SON DNA and RNA binding protein; plus strand). Cytogenetic location: 21q22.11.
Variant type: single nucleotide variant.
Coding change: c.359A>G on transcript NM_138927.4 (MANE Select); coding-DNA position 359, A replaced by G.
Protein change: p.Lys120Arg; replaces lysine 120 with arginine.
Molecular consequence: missense variant. On other transcripts: non-coding transcript variant (1), intron variant (1).
Genome position (GRCh38, 1-based): chr21:33,549,590, A>G. VCF-style: chr21-33549590-A-G. GRCh37 (hg19) VCF-style: chr21-34921896-A-G.
Other names: c.359A>G, p.Lys120Arg (NM_001291411.2, NM_001412133.1, NM_032195.3 and 2 more transcripts); c.244+3211A>G (NM_001291412.3); short protein forms K120R.
Identifiers: ClinVar variation 2709170 (VCV002709170.3), dbSNP rs780441096, ClinGen allele CA10008656.

ClinVar aggregate classification (germline): Uncertain significance (1 of 4 stars; one submission).

Allele frequency attached by ClinVar (database versions not stated): TOPMed 0.00001; gnomAD 0.00002; ExAC 0.00007.
gnomAD v4.1: 27 of 1,589,840 alleles (0.0017%); highest among the groups gnomAD compares: Non-Finnish European, 0.0022%; no homozygotes.

Submission:

Labcorp Genetics (formerly Invitae), Labcorp
Classification: Uncertain significance. Last evaluated: 2023-12-11. Review status: criteria provided, single submitter. Criteria: Invitae Variant Classification Sherloc (09022015). Collection method: clinical testing. Allele origin: germline.
Comment: This sequence change replaces lysine, which is basic and polar, with arginine, which is basic and polar, at codon 120 of the SON protein (p.Lys120Arg). The frequency data for this variant in the population databases is considered unreliable, as metrics indicate poor data quality at this position in the gnomAD database. This variant has not been reported in the literature in individuals affected with SON-related conditions. An algorithm developed to predict the effect of missense changes on protein structure and function (PolyPhen-2) suggests that this variant is likely to be disruptive. In summary, the available evidence is currently insufficient to determine the role of this variant in disease. Therefore, it has been classified as a Variant of Uncertain Significance.